The following is an entry in ClinVar:

NM_000038.6(APC):c.646-4665G>T

Gene: APC (APC regulator of WNT signaling pathway; plus strand). Cytogenetic location: 5q22.2.
Variant type: single nucleotide variant.
Coding change: c.646-4665G>T on transcript NM_000038.6 (MANE Select); 4665 bases into the intron before coding-DNA position 646, G replaced by T.
Molecular consequence: intron variant.
Genome position (GRCh38, 1-based): chr5:112,787,781, G>T. VCF-style: chr5-112787781-G-T. GRCh37 (hg19) VCF-style: chr5-112123478-G-T.
Other names: c.646-4665G>T (NM_001354895.2, NM_001127510.3, NM_001354896.2 and 1 more transcripts); c.676-4665G>T (NM_001354897.2, NM_001354902.2); c.675+6878G>T (NM_001127511.3); c.571-4665G>T (NM_001354898.2, NM_001354904.2); c.-390-4665G>T (NM_001354906.2); c.645+6878G>T (NM_001354899.2); c.469-4665G>T (NM_001354900.2, NM_001354901.2, NM_001354905.2).
Identifiers: ClinVar variation 82973 (VCV000082973.2), dbSNP rs78188227, ClinGen allele CA011992.
Genomic context (GRCh38, chr5:112,787,781, plus strand): 5'-CTCCCCACCAAATCTGTTATCTGTATTAGCCTCATAACAAAAATAAACTTTTATGATAGA[G>T]CTAAATTAGTTATATTGCCAGATTTATACATCTTTTCCTGTACTGAAGTCGTAAAGGTAA-3'

ClinVar aggregate classification (germline): other (0 of 4 stars; one submission).

Conditions:
Familial colorectal cancer. Identifiers: MedGen CN280943, MONDO:0023113. Disease mechanism: loss of function.

Submission:

Systems Biology Platform Zhejiang California International NanoSystems Institute
Classification: other for Familial colorectal cancer. Review status: no assertion criteria provided. Collection method: not provided. Allele origin: unknown.
ClinVar note: Converted during submission from cancer to other.